The following is an entry in ClinVar:

ClinVar aggregate classification (germline): Conflicting classifications of pathogenicity. Review status: criteria provided, conflicting classifications (1 of 4 stars). 5 submissions from 5 submitters: Likely pathogenic (1); Uncertain significance (4). Last evaluated 2026-01-28.

Conditions:
IFIH1-related disorder. Also called: IFIH1-related condition.
Singleton-Merten syndrome 1 (SGMRT1). Also called: Widened medullary cavities of bone, aortic calcification, abnormal dentition, and muscular weakness; Syndrome of widened medullary cavities of the metacarpals and phalanges, aortic calcification and abnormal dentition. Identifiers: Orphanet 85191, MedGen C4225427, MONDO:0024535, OMIM 182250.
Aicardi-Goutieres syndrome 7 (AGS7). Identifiers: Orphanet 51, MedGen C3888244, MONDO:0014367, OMIM 615846.

Allele frequency attached by ClinVar (database versions not stated): ExAC 0.00001; gnomAD exomes 0.00002; TOPMed 0.00002; gnomAD 0.00003.
gnomAD v4.1: 99 of 1,591,564 alleles (0.0062%); highest among the groups gnomAD compares: Non-Finnish European, 0.0079%; no homozygotes.

Submissions (5):

Labcorp Genetics (formerly Invitae), Labcorp
Classification: Uncertain significance for Aicardi-Goutieres syndrome 7; Singleton-Merten syndrome 1. Last evaluated: 2026-01-28. Review status: criteria provided, single submitter. Criteria: Invitae Variant Classification Sherloc (09022015). Collection method: clinical testing. Allele origin: germline.
Comment: This sequence change affects an acceptor splice site in intron 10 of the IFIH1 gene. It is expected to disrupt RNA splicing. Variants that disrupt the donor or acceptor splice site typically lead to a loss of protein function (PMID: 16199547), however the current clinical and genetic evidence is not sufficient to establish whether loss-of-function variants in IFIH1 cause disease. This variant is present in population databases (rs748813106, gnomAD 0.004%). This variant has not been reported in the literature in individuals affected with IFIH1-related conditions. Disruption of this splice site has been observed in at least one individual who was not affected with IFIH1-related conditions (internal data). ClinVar contains an entry for this variant (Variation ID: 636388). Algorithms developed to predict the effect of sequence changes on RNA splicing suggest that this variant may disrupt the consensus splice site. In summary, the available evidence is currently insufficient to determine the role of this variant in disease. Therefore, it has been classified as a Variant of Uncertain Significance.

Women's Health and Genetics/Laboratory Corporation of America, LabCorp
Classification: Uncertain significance. Last evaluated: 2025-07-07. Review status: criteria provided, single submitter. Criteria: LabCorp Variant Classification Summary - May 2015. Collection method: clinical testing. Allele origin: germline.
Comment: Variant summary: IFIH1 c.2045-1G>A is located in a canonical splice-site and is predicted to affect mRNA splicing resulting in a significantly altered protein due to either exon skipping, shortening, or inclusion of intronic material. Variants that disrupt the consensus splice site are a relatively common cause of aberrant splicing, however current evidence is not sufficient to establish loss of function as a mechanism for disease. Several computational tools predict a significant impact on normal splicing: Three predict the variant abolishes a 3' acceptor site. However, these predictions have yet to be confirmed by functional studies. The variant allele was found at a frequency of 1.9e-05 in 263408 control chromosomes. The available data on variant occurrences in the general population are insufficient to allow any conclusion about variant significance. To our knowledge, no occurrence of c.2045-1G>A in individuals affected with Singleton-Merten syndrome 1 and no experimental evidence demonstrating its impact on protein function have been reported. ClinVar contains an entry for this variant (Variation ID: 636388). Based on the evidence outlined above, the variant was classified as uncertain significance.

PreventionGenetics, part of Exact Sciences
Classification: Uncertain significance for IFIH1-related condition. Last evaluated: 2025-01-01. Review status: criteria provided, single submitter. Criteria: ACMG Guidelines, 2015. Collection method: clinical testing. Allele origin: germline.
Comment: The IFIH1 c.2045-1G>A variant is predicted to disrupt the AG splice acceptor site and interfere with normal splicing. To our knowledge, this variant has not been reported in the literature. This variant is reported in 0.0041% of alleles in individuals of European (Non-Finnish) descent in gnomAD. At this time, the clinical significance of this variant is uncertain due to the absence of conclusive functional and genetic evidence.

Blueprint Genetics
Classification: Uncertain significance. Last evaluated: 2024-03-27. Review status: criteria provided, single submitter. Criteria: ACMG Guidelines, 2015. Collection method: clinical testing. Allele origin: germline.

CeGaT Center for Human Genetics Tuebingen
Classification: Likely pathogenic. Last evaluated: 2022-04-01. Review status: criteria provided, single submitter. Criteria: CeGaT Center For Human Genetics Tuebingen Variant Classification Criteria Version 2. Collection method: clinical testing. Allele origin: germline. Affected: yes. Observed: 1 variant allele.
Comment: IFIH1: PVS1, PM2:Supporting

Literature cited by the submitters: PubMed 16199547 (cited by Labcorp Genetics (formerly Invitae), Labcorp).

NM_022168.4(IFIH1):c.2045-1G>A

Gene: IFIH1 (interferon induced with helicase C domain 1; minus strand). Cytogenetic location: 2q24.2.
Variant type: single nucleotide variant.
Coding change: c.2045-1G>A on transcript NM_022168.4 (MANE Select); the canonical splice acceptor site of the intron before coding-DNA position 2045, G replaced by A.
Molecular consequence: splice acceptor variant.
Genome position (GRCh38, 1-based): chr2:162,276,947, C>T on the plus strand (G>A on the coding strand, the complement: IFIH1 is on the minus strand). VCF-style: chr2-162276947-C-T. GRCh37 (hg19) VCF-style: chr2-163133457-C-T.
Identifiers: ClinVar variation 636388 (VCV000636388.40), dbSNP rs748813106, ClinGen allele CA1934304.